The following is an entry in ClinVar:

ClinVar aggregate classification (germline): Uncertain significance. Review status: criteria provided, multiple submitters, no conflicts (2 of 4 stars). 3 submissions from 3 submitters: Uncertain significance (3). Last evaluated 2023-02-14.

Conditions:
Cardiovascular phenotype. Identifiers: MedGen CN230736.

Allele frequency attached by ClinVar (database versions not stated): gnomAD exomes below 0.00001.
gnomAD v4.1: 3 of 1,606,004 alleles (0.00019%); highest among the groups gnomAD compares: Non-Finnish European, 0.00017%; no homozygotes.

Submissions (3):

Mayo Clinic Laboratories, Mayo Clinic
Classification: Uncertain significance. Last evaluated: 2023-02-14. Review status: criteria provided, single submitter. Criteria: ACMG Guidelines, 2015. Collection method: clinical testing. Allele origin: germline. Observed: 1 variant allele.
Comment: PM2_supporting

Ambry Genetics
Classification: Uncertain significance for Cardiovascular phenotype. Last evaluated: 2020-02-20. Review status: criteria provided, single submitter. Criteria: Ambry Variant Classification Scheme 2023. Collection method: clinical testing. Allele origin: germline.
Comment: The p.A5779G variant (also known as c.17336C>G), located in coding exon 68 of the TTN gene, results from a C to G substitution at nucleotide position 17336. The alanine at codon 5779 is replaced by glycine, an amino acid with similar properties. This amino acid position is highly conserved in available vertebrate species. In addition, this alteration is predicted to be tolerated by in silico analysis. Since supporting evidence is limited at this time, the clinical significance of this alteration remains unclear.

Laboratory for Molecular Medicine, Mass General Brigham Personalized Medicine
Classification: Uncertain significance. Last evaluated: 2017-08-18. Review status: criteria provided, single submitter. Criteria: LMM Criteria. Collection method: clinical testing. Allele origin: germline. Observed: 1 variant allele.
Comment: The p.Ala12276Gly variant in TTN has not been previously reported in individuals with cardiomyopathy and was absent from large population studies. Computational prediction tools and conservation analysis suggest that the p.Ala12276Gly varia nt may impact the protein, though this information is not predictive enough to d etermine pathogenicity. In summary, the clinical significance of the p.Ala12276G ly variant is uncertain.

NM_001267550.2(TTN):c.44531C>G (p.Ala14844Gly)

Gene: TTN (titin; minus strand). Cytogenetic location: 2q31.2.
Variant type: single nucleotide variant.
Coding change: c.44531C>G on transcript NM_001267550.2 (MANE Select); coding-DNA position 44531, C replaced by G.
Protein change: p.Ala14844Gly; replaces alanine 14844 with glycine.
Molecular consequence: missense variant.
Genome position (GRCh38, 1-based): chr2:178,625,290, G>C on the plus strand (C>G on the coding strand, the complement: TTN is on the minus strand). VCF-style: chr2-178625290-G-C. GRCh37 (hg19) VCF-style: chr2-179490017-G-C.
Other names: p.Ala13203Gly; c.36827C>G, p.Ala12276Gly (NM_133378.4); c.39608C>G, p.Ala13203Gly (NM_001256850.1); c.17336C>G, p.Ala5779Gly (NM_003319.4); c.17711C>G, p.Ala5904Gly (NM_133432.3); c.17912C>G, p.Ala5971Gly (NM_133437.4); short protein forms A12276G, A14844G, A5904G, A13203G, A5779G, A5971G.
Identifiers: ClinVar variation 505989 (VCV000505989.8), dbSNP rs1053826157, ClinGen allele CA60997284.